The following is an entry in ClinVar:

NM_000545.8(HNF1A):c.1A>T (p.Met1Leu)

Gene: HNF1A (HNF1 homeobox A; plus strand). Cytogenetic location: 12q24.31.
Variant type: single nucleotide variant.
Coding change: c.1A>T on transcript NM_000545.8 (MANE Select); coding-DNA position 1, A replaced by T.
Protein change: p.Met1Leu; changes the start codon (methionine 1).
Molecular consequence: missense variant, initiator codon variant.
Genome position (GRCh38, 1-based): chr12:120,978,769, A>T. VCF-style: chr12-120978769-A-T. GRCh37 (hg19) VCF-style: chr12-121416572-A-T.
Other names: NM_000545.6(HNF1A):c.1A>T; p.Met1Leu; c.1A>T, p.Met1Leu (NM_001306179.2); short protein forms M1L.
Identifiers: ClinVar variation 502525 (VCV000502525.9), dbSNP rs193922592, ClinGen allele CA386951973.

ClinVar aggregate classification (germline): Pathogenic. Review status: reviewed by expert panel (3 of 4 stars). 2 submissions from 2 submitters: Pathogenic (1). 1 of the submissions does not count toward it. Last evaluated 2022-03-04.

Conditions:
Monogenic diabetes. Identifiers: Orphanet 183625, MedGen C3888631, MONDO:0015967.

Submissions (2):

ClinGen Monogenic Diabetes Variant Curation Expert Panel
Classification: Pathogenic for Monogenic diabetes. Last evaluated: 2022-03-04. Review status: reviewed by expert panel. Criteria: ClinGen Diabetes ACMG Specifications v1 1. Collection method: curation. Allele origin: germline. Inheritance: Autosomal dominant inheritance.
Comment: The c.1A>T variant in the HNF1 homeobox A gene, HNF1A, results in the loss of the initiation codon (p.Met1Leu) of transcript NM_000545.8. By altering the start codon of the coding sequence, this variant is predicted to cause a truncated or absent protein in a gene in which loss-of-function is an established disease mechanism (PVS1; PMID: 23348805). This variant is absent from gnomAD v2.1.1 (PM2_Supporting). This variant was identified in an individual with a clinical history highly specific for HNF1A-MODY (MODY probability calculator result >50%, negative genetic testing for HNF4A, sulfonylurea-responsive, and antibody negative) (PP4_Moderate; internal lab contributor). In summary, c.1A>T meets the criteria to be classified as pathogenic for monogenic diabetes. ACMG/AMP criteria applied, as specified by the ClinGen MDEP (specification version 1.1, approved 9/30/2021): PVS1, PM2_Supporting and PP4_Moderate.

Eurofins Ntd Llc (ga)
Classification: Pathogenic. Last evaluated: 2017-06-27. Review status: criteria provided, single submitter. Criteria: EGL Classification Definitions 2015. Collection method: clinical testing. Allele origin: germline. Observed: 1 variant allele, 1 heterozygote. Not counted in ClinVar's aggregate classification.